The following is an entry in ClinVar:

NM_001198533.2(OXR1):c.1584A>G (p.Glu528=)

Gene: OXR1 (oxidation resistance 1; plus strand). Cytogenetic location: 8q23.1.
Variant type: single nucleotide variant.
Coding change: c.1584A>G on transcript NM_001198533.2 (MANE Select); coding-DNA position 1584, A replaced by G.
Protein change: p.Glu528=; no amino-acid change (glutamic acid 528 retained).
Molecular consequence: synonymous variant.
Genome position (GRCh38, 1-based): chr8:106,707,105, A>G. VCF-style: chr8-106707105-A-G. GRCh37 (hg19) VCF-style: chr8-107719333-A-G.
Other names: c.1587A>G, p.Glu529= (NM_001198532.1); c.1584A>G, p.Glu528= (NM_018002.3); c.1563A>G, p.Glu521= (NM_181354.4).
Identifiers: ClinVar variation 4084210 (VCV004084210.8).

ClinVar aggregate classification (germline): Likely benign (1 of 4 stars; one submission).

gnomAD v4.1: 626 of 1,613,952 alleles (0.039%); highest among the groups gnomAD compares: South Asian, 0.65%; 11 homozygotes.

Submission:

CeGaT Center for Human Genetics Tuebingen
Classification: Likely benign. Last evaluated: 2025-07-01. Review status: criteria provided, single submitter. Criteria: CeGaT Center For Human Genetics Tuebingen Variant Classification Criteria Version 2. Collection method: clinical testing. Allele origin: germline. Affected: yes. Observed: 1 variant allele.
Comment: OXR1: BP4, BP7